The following is an entry in ClinVar:

ClinVar aggregate classification (germline): Uncertain significance (1 of 4 stars; one submission).

Conditions:
Inborn genetic diseases. Identifiers: MedGen C0950123, MeSH D030342.

Submission:

Ambry Genetics
Classification: Uncertain significance for Inborn genetic diseases. Last evaluated: 2021-10-12. Review status: criteria provided, single submitter. Criteria: Ambry Variant Classification Scheme 2023. Collection method: clinical testing. Allele origin: germline.
Comment: The p.M2090L variant (also known as c.6268A>T), located in coding exon 37 of the ATR gene, results from an A to T substitution at nucleotide position 6268. The methionine at codon 2090 is replaced by leucine, an amino acid with highly similar properties. This amino acid position is conserved. In addition, this alteration is predicted to be tolerated by in silico analysis. Since supporting evidence is limited at this time, the clinical significance of this alteration remains unclear.

NM_001184.4(ATR):c.6268A>T (p.Met2090Leu)

Gene: ATR (ATR checkpoint kinase; minus strand). Cytogenetic location: 3q23.
Variant type: single nucleotide variant.
Coding change: c.6268A>T on transcript NM_001184.4 (MANE Select); coding-DNA position 6268, A replaced by T.
Protein change: p.Met2090Leu; replaces methionine 2090 with leucine.
Molecular consequence: missense variant.
Genome position (GRCh38, 1-based): chr3:142,470,137, T>A on the plus strand (A>T on the coding strand, the complement: ATR is on the minus strand). VCF-style: chr3-142470137-T-A. GRCh37 (hg19) VCF-style: chr3-142188979-T-A.
Other names: c.6076A>T, p.Met2026Leu (NM_001354579.2); short protein forms M2026L, M2090L.
Identifiers: ClinVar variation 1752523 (VCV001752523.2), dbSNP rs2473073929, ClinGen allele CA354805795.